The following is an entry in ClinVar:

NM_032620.4(GTPBP3):c.713G>C (p.Arg238Pro)

Gene: GTPBP3 (GTP binding protein 3, mitochondrial; plus strand). Cytogenetic location: 19p13.11.
Variant type: single nucleotide variant.
Coding change: c.713G>C on transcript NM_032620.4 (MANE Select); coding-DNA position 713, G replaced by C.
Protein change: p.Arg238Pro; replaces arginine 238 with proline.
Molecular consequence: missense variant.
Genome position (GRCh38, 1-based): chr19:17,339,171, G>C. VCF-style: chr19-17339171-G-C. GRCh37 (hg19) VCF-style: chr19-17449980-G-C.
Other names: c.713G>C, p.Arg238Pro (NM_001128855.3); c.779G>C, p.Arg260Pro (NM_001195422.1); c.809G>C, p.Arg270Pro (NM_133644.4); c.809G>C (NM_133644.3); short protein forms R238P, R270P, R260P.
Identifiers: ClinVar variation 1428001 (VCV001428001.10), dbSNP rs767331683, ClinGen allele CA9293470.

ClinVar aggregate classification (germline): Uncertain significance. Review status: criteria provided, multiple submitters, no conflicts (2 of 4 stars). 3 submissions from 3 submitters: Uncertain significance (3). Last evaluated 2025-08-22.

Conditions:
Inborn genetic diseases. Identifiers: MedGen C0950123, MeSH D030342.

Allele frequency attached by ClinVar (database versions not stated): ExAC 0.00003.
gnomAD v4.1: 11 of 1,613,848 alleles (0.00068%); highest among the groups gnomAD compares: Non-Finnish European, 0.00093%; no homozygotes.

Submissions (3):

Ambry Genetics
Classification: Uncertain significance for Inborn genetic diseases. Last evaluated: 2025-08-22. Review status: criteria provided, single submitter. Criteria: Ambry Variant Classification Scheme 2023. Collection method: clinical testing. Allele origin: germline.

Labcorp Genetics (formerly Invitae), Labcorp
Classification: Uncertain significance. Last evaluated: 2025-03-17. Review status: criteria provided, single submitter. Criteria: Invitae Variant Classification Sherloc (09022015). Collection method: clinical testing. Allele origin: germline.
Comment: This sequence change replaces arginine, which is basic and polar, with proline, which is neutral and non-polar, at codon 270 of the GTPBP3 protein (p.Arg270Pro). This variant is present in population databases (rs767331683, gnomAD 0.004%). This variant has not been reported in the literature in individuals affected with GTPBP3-related conditions. ClinVar contains an entry for this variant (Variation ID: 1428001). Invitae Evidence Modeling of protein sequence and biophysical properties (such as structural, functional, and spatial information, amino acid conservation, physicochemical variation, residue mobility, and thermodynamic stability) indicates that this missense variant is not expected to disrupt GTPBP3 protein function with a negative predictive value of 80%. In summary, the available evidence is currently insufficient to determine the role of this variant in disease. Therefore, it has been classified as a Variant of Uncertain Significance.

Blueprint Genetics
Classification: Uncertain significance. Last evaluated: 2024-04-09. Review status: criteria provided, single submitter. Criteria: ACMG Guidelines, 2015. Collection method: clinical testing. Allele origin: germline.